The following is an entry in ClinVar:

NM_052941.5(GBP4):c.1248A>G (p.Ala416=)

Gene: GBP4 (guanylate binding protein 4; minus strand). Cytogenetic location: 1p22.2.
Variant type: single nucleotide variant.
Coding change: c.1248A>G on transcript NM_052941.5 (MANE Select); coding-DNA position 1248, A replaced by G.
Protein change: p.Ala416=; no amino-acid change (alanine 416 retained).
Molecular consequence: synonymous variant.
Genome position (GRCh38, 1-based): chr1:89,188,744, T>C on the plus strand (A>G on the coding strand, the complement: GBP4 is on the minus strand). VCF-style: chr1-89188744-T-C. GRCh37 (hg19) VCF-style: chr1-89654427-T-C.
Identifiers: ClinVar variation 2638923 (VCV002638923.24), dbSNP rs150651435, ClinGen allele CA941493.
Genomic context (GRCh38, chr1:89,188,744, plus strand): 5'-AATGCTTTCTGTCAGGTGCTCTGAAAGCCGCTTAAGCTCAGCCTGGCAATATTTGGCAGA[T>C]GCCTCTTCATTCTGCAGCACAAAGTCTCCCTTCTTTTTCTCTATGGTGTCCTGCCAGAAA-3'
Protein context (NP_443173.2, residues 406-426): KGDFVLQNEE[Ala416=]SAKYCQAELK

ClinVar aggregate classification (germline): Likely benign (1 of 4 stars; one submission).

Allele frequency attached by ClinVar (database versions not stated): 1000 Genomes Project 30x 0.00031; 1000 Genomes Project 0.00040; TOPMed 0.00049; gnomAD 0.00060; gnomAD exomes 0.00061; ESP Exome Variant Server 0.00062; ExAC 0.00100.
gnomAD v4.1: 984 of 1,614,284 alleles (0.061%); highest among the groups gnomAD compares: South Asian, 0.23%; 5 homozygotes.

Submission:

CeGaT Center for Human Genetics Tuebingen
Classification: Likely benign. Last evaluated: 2023-01-01. Review status: criteria provided, single submitter. Criteria: CeGaT Center For Human Genetics Tuebingen Variant Classification Criteria Version 2. Collection method: clinical testing. Allele origin: germline. Affected: yes. Observed: 3 variant alleles.
Comment: GBP4: BP4, BP7